The following is an entry in ClinVar:

NM_021098.3(CACNA1H):c.974C>T (p.Pro325Leu)

Gene: CACNA1H (calcium voltage-gated channel subunit alpha1 H; plus strand). Cytogenetic location: 16p13.3.
Variant type: single nucleotide variant.
Coding change: c.974C>T on transcript NM_021098.3 (MANE Select); coding-DNA position 974, C replaced by T.
Protein change: p.Pro325Leu; replaces proline 325 with leucine.
Molecular consequence: missense variant.
Genome position (GRCh38, 1-based): chr16:1,200,426, C>T. VCF-style: chr16-1200426-C-T. GRCh37 (hg19) VCF-style: chr16-1250426-C-T.
Other names: c.974C>T, p.Pro325Leu (NM_001005407.2); short protein forms P325L.
Identifiers: ClinVar variation 1032116 (VCV001032116.5), dbSNP rs375274586, ClinGen allele CA7799726.

ClinVar aggregate classification (germline): Conflicting classifications of pathogenicity. Review status: criteria provided, conflicting classifications (1 of 4 stars). 2 submissions from 2 submitters: Uncertain significance (1); Benign (1). Last evaluated 2024-01-01.

Conditions:
Hyperaldosteronism, familial, type IV (HALD4). Also called: FH IV; ALDOSTERONISM, PRIMARY, AND HYPERTENSION. Identifiers: Orphanet 642671, MedGen C4310756, MONDO:0014875, OMIM 617027.
Idiopathic generalized epilepsy. Also called: EIG; Generalised epilepsy. Identifiers: MedGen C0270850, MONDO:0005579, OMIM 600669.
Epilepsy, childhood absence, susceptibility to, 6. Identifiers: Orphanet 64280, MedGen C2749872, MONDO:0012763, OMIM 611942.

Allele frequency attached by ClinVar (database versions not stated): gnomAD exomes 0.00001 and 0.00002; ExAC 0.00003; TOPMed 0.00003; ESP Exome Variant Server 0.00008; gnomAD 0.00001.
gnomAD v4.1: 22 of 1,609,750 alleles (0.0014%); highest among the groups gnomAD compares: Non-Finnish European, 0.0016%; no homozygotes.

Submissions (2):

Labcorp Genetics (formerly Invitae), Labcorp
Classification: Benign for Idiopathic generalized epilepsy; Hyperaldosteronism, familial, type IV. Last evaluated: 2024-01-01. Review status: criteria provided, single submitter. Criteria: Invitae Variant Classification Sherloc (09022015). Collection method: clinical testing. Allele origin: germline.

Baylor Genetics
Classification: Uncertain significance for Epilepsy, childhood absence, susceptibility to, 6. Last evaluated: 2018-02-12. Review status: criteria provided, single submitter. Criteria: ACMG Guidelines, 2015. Collection method: clinical testing. Allele origin: paternal. Affected: yes.
Comment: This variant was determined to be of uncertain significance according to ACMG Guidelines, 2015 [PMID:25741868].